The following is an entry in ClinVar:

ClinVar aggregate classification (germline): Uncertain significance (1 of 4 stars; one submission).

Submission:

GeneDx
Classification: Uncertain significance. Last evaluated: 2026-10-15. Review status: criteria provided, single submitter. Criteria: GeneDx Variant Classification Process June 2021. Collection method: clinical testing. Allele origin: germline.
Comment: Not observed at significant frequency in large population cohorts (gnomAD); In silico analysis supports that this variant does not alter splicing; Has not been previously published as pathogenic or benign to our knowledge

NM_001161352.2(KCNMA1):c.585C>T (p.Tyr195=)

Gene: KCNMA1 (potassium calcium-activated channel subfamily M alpha 1; minus strand). Cytogenetic location: 10q22.3.
Variant type: single nucleotide variant.
Coding change: c.585C>T on transcript NM_001161352.2 (MANE Select); coding-DNA position 585, C replaced by T.
Protein change: p.Tyr195=; no amino-acid change (tyrosine 195 retained).
Molecular consequence: synonymous variant. On other transcripts: 5 prime UTR variant (1).
Genome position (GRCh38, 1-based): chr10:77,251,212, G>A on the plus strand (C>T on the coding strand, the complement: KCNMA1 is on the minus strand). VCF-style: chr10-77251212-G-A. GRCh37 (hg19) VCF-style: chr10-79010970-G-A.
Other names: c.-32C>T (NM_001322838.2); c.585C>T, p.Tyr195= (NM_002247.4, NM_001014797.3, NM_001161353.2 and 7 more transcripts); c.423C>T, p.Tyr141= (NM_001271518.2).
Identifiers: ClinVar variation 1307427 (VCV001307427.4), dbSNP rs2154251763, ClinGen allele CA470526754.
Genomic context (GRCh38, chr10:77,251,212, plus strand): 5'-TTGTTTATGAAACGAGGGCAAGAAAGTATATTTGAATACTCACTTTGATGAATCTATGAA[G>A]TATATTACAAGTGCACCGATGCTGAGAGCAAAGACTAAGACAACCTGTAAAAGAAGAGGA-3'
Protein context (NP_001154824.1, residues 185-205): FALSIGALVI[Tyr195=]FIDSSNPIES